The following is an entry in ClinVar:

ClinVar aggregate classification (germline): Uncertain significance (1 of 4 stars; one submission).

Conditions:
Glucose-6-phosphate transport defect (GSD1B). Also called: Glycogen Storage Disease Type Ib; GSD Ib. Identifiers: Orphanet 364, Orphanet 79259, MedGen C0268146, MONDO:0009288, OMIM 232220.

Submission:

Labcorp Genetics (formerly Invitae), Labcorp
Classification: Uncertain significance for Glucose-6-phosphate transport defect. Last evaluated: 2020-11-24. Review status: criteria provided, single submitter. Criteria: Invitae Variant Classification Sherloc (09022015). Collection method: clinical testing. Allele origin: germline.
Comment: This sequence change replaces arginine with proline at codon 319 of the SLC37A4 protein (p.Arg319Pro). The arginine residue is highly conserved and there is a moderate physicochemical difference between arginine and proline. This variant is not present in population databases (ExAC no frequency). This variant has not been reported in the literature in individuals with SLC37A4-related conditions. Experimental studies and prediction algorithms are not available or were not evaluated, and the functional significance of this variant is currently unknown. In summary, the available evidence is currently insufficient to determine the role of this variant in disease. Therefore, it has been classified as a Variant of Uncertain Significance.

NM_001164277.2(SLC37A4):c.956G>C (p.Arg319Pro)

Gene: SLC37A4 (solute carrier family 37 member 4; minus strand). Cytogenetic location: 11q23.3.
Variant type: single nucleotide variant.
Coding change: c.956G>C on transcript NM_001164277.2 (MANE Select); coding-DNA position 956, G replaced by C.
Protein change: p.Arg319Pro; replaces arginine 319 with proline.
Molecular consequence: missense variant.
Genome position (GRCh38, 1-based): chr11:119,025,995, C>G on the plus strand (G>C on the coding strand, the complement: SLC37A4 is on the minus strand). VCF-style: chr11-119025995-C-G. GRCh37 (hg19) VCF-style: chr11-118896705-C-G.
Other names: c.956G>C, p.Arg319Pro (NM_001164278.2, NM_001164280.2, NM_001467.6); c.737G>C, p.Arg246Pro (NM_001164279.2); short protein forms R246P, R319P.
Identifiers: ClinVar variation 1350835 (VCV001350835.6), dbSNP rs782703235, ClinGen allele CA382897341.